The following is an entry in ClinVar:

ClinVar aggregate classification (germline): Benign (1 of 4 stars; one submission).

Conditions:
Oligodontia-cancer predisposition syndrome. Also called: TOOTH AGENESIS-COLORECTAL CANCER SYNDROME. Identifiers: Orphanet 300576, MedGen C1837750, MONDO:0012075, OMIM 608615. Disease mechanism: loss of function.

Submission:

Myriad Genetics, Inc.
Classification: Benign for Oligodontia-cancer predisposition syndrome. Last evaluated: 2024-07-09. Review status: criteria provided, single submitter. Criteria: Myriad Autosomal Dominant, Autosomal Recessive and X-Linked Classification Criteria (2023). Collection method: clinical testing. Allele origin: unknown.
Comment: This variant is considered benign. This variant is a silent/synonymous amino acid change and it is not expected to impact splicing.

NM_004655.4(AXIN2):c.1911C>G (p.Ala637=)

Gene: AXIN2 (axin 2; minus strand). Cytogenetic location: 17q24.1.
Variant type: single nucleotide variant.
Coding change: c.1911C>G on transcript NM_004655.4 (MANE Select); coding-DNA position 1911, C replaced by G.
Protein change: p.Ala637=; no amino-acid change (alanine 637 retained).
Molecular consequence: synonymous variant.
Genome position (GRCh38, 1-based): chr17:65,536,550, G>C on the plus strand (C>G on the coding strand, the complement: AXIN2 is on the minus strand). VCF-style: chr17-65536550-G-C. GRCh37 (hg19) VCF-style: chr17-63532668-G-C.
Other names: c.1716C>G, p.Ala572= (NM_001363813.1).
Identifiers: ClinVar variation 3379147 (VCV003379147.1).
Genomic context (GRCh38, chr17:65,536,550, plus strand): 5'-GGCTCGTTCGCCTGGAGACGAGCGGGCAGACTCCAAGGGGTAGGCCTTTTTTGTGCTTTG[G>C]GCACTAAACAAGGAATGAGCAGAGAGAAAACAGAAGGAAAGAAACTGGGTTAGAAGAACT-3'
Protein context (NP_004646.3, residues 627-647): ERQSKPKPHS[Ala637=]QSTKKAYPLE